The following is an entry in ClinVar:

NM_001257180.2(SLC20A2):c.592A>G (p.Ile198Val)

Gene: SLC20A2 (solute carrier family 20 member 2; minus strand). Cytogenetic location: 8p11.21.
Variant type: single nucleotide variant.
Coding change: c.592A>G on transcript NM_001257180.2 (MANE Select); coding-DNA position 592, A replaced by G.
Protein change: p.Ile198Val; replaces isoleucine 198 with valine.
Molecular consequence: missense variant.
Genome position (GRCh38, 1-based): chr8:42,459,917, T>C on the plus strand (A>G on the coding strand, the complement: SLC20A2 is on the minus strand). VCF-style: chr8-42459917-T-C. GRCh37 (hg19) VCF-style: chr8-42317435-T-C.
Other names: c.592A>G, p.Ile198Val (NM_001257181.2, NM_006749.5); c.592A>G (NM_006749.3); short protein forms I198V.
Identifiers: ClinVar variation 1417921 (VCV001417921.7), dbSNP rs766640433, ClinGen allele CA4733528.

ClinVar aggregate classification (germline): Uncertain significance. Review status: criteria provided, multiple submitters, no conflicts (2 of 4 stars). 2 submissions from 2 submitters: Uncertain significance (2). Last evaluated 2026-08-12.

Conditions:
Inborn genetic diseases. Identifiers: MedGen C0950123, MeSH D030342.

Allele frequency attached by ClinVar (database versions not stated): gnomAD 0.00001; gnomAD exomes below 0.00001; TOPMed below 0.00001; ExAC 0.00001.
gnomAD v4.1: 5 of 1,612,866 alleles (0.00031%); highest among the groups gnomAD compares: Non-Finnish European, 0.00042%; no homozygotes.

Submissions (2):

Ambry Genetics
Classification: Uncertain significance for Inborn genetic diseases. Last evaluated: 2026-08-12. Review status: criteria provided, single submitter. Criteria: Ambry Variant Classification Scheme 2023. Collection method: clinical testing. Allele origin: germline.

Labcorp Genetics (formerly Invitae), Labcorp
Classification: Uncertain significance. Last evaluated: 2021-11-08. Review status: criteria provided, single submitter. Criteria: Invitae Variant Classification Sherloc (09022015). Collection method: clinical testing. Allele origin: germline.
Comment: This variant is present in population databases (rs766640433, gnomAD 0.0009%). In summary, the available evidence is currently insufficient to determine the role of this variant in disease. Therefore, it has been classified as a Variant of Uncertain Significance. Algorithms developed to predict the effect of missense changes on protein structure and function (SIFT, PolyPhen-2, Align-GVGD) all suggest that this variant is likely to be tolerated. This variant has not been reported in the literature in individuals affected with SLC20A2-related conditions. This sequence change replaces isoleucine, which is neutral and non-polar, with valine, which is neutral and non-polar, at codon 198 of the SLC20A2 protein (p.Ile198Val).